The following is an entry in ClinVar:

ClinVar aggregate classification (germline): Uncertain significance (1 of 4 stars; one submission).

Conditions:
Familial thoracic aortic aneurysm and aortic dissection (TAAD). Also called: Thoracic aortic aneurysms and dissections. Identifiers: Orphanet 91387, MedGen C4707243, MONDO:0019625.

Submission:

Color Diagnostics, LLC DBA Color Health
Classification: Uncertain significance for Familial thoracic aortic aneurysm and aortic dissection. Last evaluated: 2018-12-06. Review status: criteria provided, single submitter. Criteria: ACMG Guidelines, 2015. Collection method: clinical testing. Allele origin: germline.
Comment: Variant of Uncertain Significance due to insufficient evidence: This missense variant is located in the calcium-binding EGF-like motif 5 of the FBN1 protein. Computational prediction tools and conservation analyses are inconclusive regarding the impact of this variant on the protein function. Computational splicing tools suggest that this variant may not impact RNA splicing. To our knowledge, functional assays have not been performed for this variant nor has this variant been reported in individuals affected with cardiovascular disorders in the literature. This variant is rare in the general population and has been identified in 0/277264 chromosomes by the Genome Aggregation Database (gnomAD). Available evidence is insufficient to determine the pathogenicity of this variant conclusively.

NM_000138.5(FBN1):c.926G>A (p.Ser309Asn)

Gene: FBN1 (fibrillin 1; minus strand). Cytogenetic location: 15q21.1.
Variant type: single nucleotide variant.
Coding change: c.926G>A on transcript NM_000138.5 (MANE Select); coding-DNA position 926, G replaced by A.
Protein change: p.Ser309Asn; replaces serine 309 with asparagine.
Molecular consequence: missense variant.
Genome position (GRCh38, 1-based): chr15:48,526,192, C>T on the plus strand (G>A on the coding strand, the complement: FBN1 is on the minus strand). VCF-style: chr15-48526192-C-T. GRCh37 (hg19) VCF-style: chr15-48818389-C-T.
Other names: short protein forms S309N.
Identifiers: ClinVar variation 923103 (VCV000923103.3), dbSNP rs2043912515, ClinGen allele CA392350091.